The following is an entry in ClinVar:

ClinVar aggregate classification (germline): Uncertain significance (1 of 4 stars; one submission).

Submission:

GeneDx
Classification: Uncertain significance. Last evaluated: 2024-02-23. Review status: criteria provided, single submitter. Criteria: GeneDx Variant Classification Process June 2021. Collection method: clinical testing. Allele origin: germline. Affected: yes.
Comment: Not observed at significant frequency in large population cohorts (gnomAD); In silico analysis supports that this missense variant does not alter protein structure/function; Has not been previously published as pathogenic or benign to our knowledge

NM_016333.4(SRRM2):c.7093A>C (p.Ser2365Arg)

Gene: SRRM2 (serine/arginine repetitive matrix 2; plus strand). Cytogenetic location: 16p13.3.
Variant type: single nucleotide variant.
Coding change: c.7093A>C on transcript NM_016333.4 (MANE Select); coding-DNA position 7093, A replaced by C.
Protein change: p.Ser2365Arg; replaces serine 2365 with arginine.
Molecular consequence: missense variant.
Genome position (GRCh38, 1-based): chr16:2,767,621, A>C. VCF-style: chr16-2767621-A-C. GRCh37 (hg19) VCF-style: chr16-2817622-A-C.
Other names: short protein forms S2365R.
Identifiers: ClinVar variation 2501624 (VCV002501624.2), dbSNP rs2505614966, ClinGen allele CA394428551.